The following is an entry in ClinVar:

ClinVar aggregate classification (germline): Conflicting classifications of pathogenicity. Review status: criteria provided, conflicting classifications (1 of 4 stars). 2 submissions from 2 submitters: Uncertain significance (1); Likely benign (1). Last evaluated 2024-06-19.

Conditions:
Cardiovascular phenotype. Identifiers: MedGen CN230736.
Brugada syndrome. Also called: Sudden unexpected nocturnal death syndrome; Sudden unexplained nocturnal death syndrome; Sudden Unexplained Death Syndrome; Sudden Unexplained Nocturnal Death Syndrome (SUNDS). Identifiers: Orphanet 130, MedGen C1142166, MONDO:0015263.

Allele frequency attached by ClinVar (database versions not stated): gnomAD 0.00001; TOPMed 0.00001; ExAC 0.00003; 1000 Genomes Project 30x 0.00016; 1000 Genomes Project 0.00020.
gnomAD v4.1: 12 of 1,612,592 alleles (0.00074%); highest among the groups gnomAD compares: East Asian, 0.011%; no homozygotes.

Submissions (2):

Labcorp Genetics (formerly Invitae), Labcorp
Classification: Uncertain significance for Brugada syndrome. Last evaluated: 2024-06-19. Review status: criteria provided, single submitter. Criteria: Invitae Variant Classification Sherloc (09022015). Collection method: clinical testing. Allele origin: germline.
Comment: This sequence change replaces arginine, which is basic and polar, with glutamine, which is neutral and polar, at codon 1017 of the CACNA2D1 protein (p.Arg1017Gln). This variant is present in population databases (rs79216498, gnomAD 0.02%). This variant has not been reported in the literature in individuals affected with CACNA2D1-related conditions. ClinVar contains an entry for this variant (Variation ID: 2450733). An algorithm developed to predict the effect of missense changes on protein structure and function (PolyPhen-2) suggests that this variant is likely to be tolerated. In summary, the available evidence is currently insufficient to determine the role of this variant in disease. Therefore, it has been classified as a Variant of Uncertain Significance.

Ambry Genetics
Classification: Likely benign for Cardiovascular phenotype. Last evaluated: 2023-01-29. Review status: criteria provided, single submitter. Criteria: Ambry Variant Classification Scheme 2023. Collection method: clinical testing. Allele origin: germline.

NM_000722.4(CACNA2D1):c.3050G>A (p.Arg1017Gln)

Gene: CACNA2D1 (calcium voltage-gated channel auxiliary subunit alpha2delta 1; minus strand). Cytogenetic location: 7q21.11.
Variant type: single nucleotide variant.
Coding change: c.3050G>A on transcript NM_000722.4 (MANE Select); coding-DNA position 3050, G replaced by A.
Protein change: p.Arg1017Gln; replaces arginine 1017 with glutamine.
Molecular consequence: missense variant.
Genome position (GRCh38, 1-based): chr7:81,959,746, C>T on the plus strand (G>A on the coding strand, the complement: CACNA2D1 is on the minus strand). VCF-style: chr7-81959746-C-T. GRCh37 (hg19) VCF-style: chr7-81589062-C-T.
Other names: c.3086G>A, p.Arg1029Gln (NM_001366867.1); short protein forms R1029Q, R1017Q.
Identifiers: ClinVar variation 2450733 (VCV002450733.5), dbSNP rs79216498, ClinGen allele CA4317412.